The following is an entry in ClinVar:

NM_000518.5(HBB):c.92+2T>C

Genes: HBB (hemoglobin subunit beta; minus strand), LOC106099062 (HBB recombination region; plus strand), LOC107133510 (origin of replication at HBB; plus strand). Cytogenetic location: 11p15.4.
Variant type: single nucleotide variant.
Coding change: c.92+2T>C on transcript NM_000518.5 (MANE Select); the canonical splice donor site of the intron after coding-DNA position 92, T replaced by C.
Molecular consequence: splice donor variant.
Genome position (GRCh38, 1-based): chr11:5,226,928, A>G on the plus strand (T>C on the coding strand, the complement: HBB is on the minus strand). VCF-style: chr11-5226928-A-G. GRCh37 (hg19) VCF-style: chr11-5248158-A-G.
Other names: IVS I-2 (T>C).
Identifiers: ClinVar variation 36334 (VCV000036334.117), dbSNP rs33956879, ClinGen allele CA342876.

ClinVar aggregate classification (germline): Pathogenic. Review status: criteria provided, multiple submitters, no conflicts (2 of 4 stars). 11 submissions from 11 submitters: Pathogenic (9). 2 of the submissions do not count toward it. Last evaluated 2025-10-01.

Conditions:
Beta-thalassemia HBB/LCRB. Identifiers: MedGen CN322236, MONDO:0013517, OMIM 613985.
alpha Thalassemia. Also called: Alpha thalassemia spectrum. Identifiers: Orphanet 846, MedGen C0002312, MONDO:0011399, OMIM 604131.
Dominant beta-thalassemia. Also called: Beta-thalassemia, dominant inclusion body type. Identifiers: Orphanet 231226, Orphanet 848, MedGen C1858990, MONDO:0011381, OMIM 603902.
Hereditary persistence of fetal hemoglobin. Identifiers: MedGen C0019025, MONDO:0020989, OMIM 141749.
Malaria, susceptibility to. Identifiers: Orphanet 673, MedGen C1970028, MONDO:0021024, OMIM 611162.
Erythrocytosis, familial, 6. Also called: ERYTHROCYTOSIS, BETA-GLOBIN TYPE; POLYCYTHEMIA, BETA-GLOBIN TYPE. Identifiers: MedGen C4693822, MONDO:0054801, OMIM 617980.
METHEMOGLOBINEMIA, BETA TYPE. Also called: Methemoglobinemia, beta-globin type. Identifiers: MedGen C1840779, OMIM 617971.
Hb SS disease (SCD). Also called: Sickle cell anemia; Hemoglobin SS; Sickle cell disease; HbS disease; Hemoglobin S Disease; Sickling disorder due to hemoglobin S. Identifiers: Orphanet 232, Orphanet 275752, MedGen C0002895, MONDO:0011382, OMIM 603903.
Heinz body anemia. Also called: Heinz body hemolytic anemia. Identifiers: Orphanet 178330, MedGen C0700299, MONDO:0007705, OMIM 140700, HP:0005511.
HBB-related disorder. Also called: HBB-related condition; HBB-related disorders. Identifiers: MedGen CN239378.
beta Thalassemia (BTHAL). Also called: Cooley's anemia; Erythroblastic anemia; Mediterranean anemia. Identifiers: Orphanet 848, MedGen C0005283, MONDO:0019402. Disease mechanism: loss of function.
Beta zero thalassemia. Identifiers: MedGen C0271980.

Allele frequency attached by ClinVar (database versions not stated): gnomAD 0.00001; gnomAD exomes 0.00002.

Submissions (12):

GeneDx
Classification: Pathogenic. Last evaluated: 2025-10-01. Review status: criteria provided, single submitter. Criteria: GeneDx Variant Classification Process June 2021. Collection method: clinical testing. Allele origin: germline. Affected: yes.
Comment: Canonical splice site variant predicted to result in a null allele in a gene for which loss of function is a known mechanism of disease; This variant is associated with the following publications: (PMID: 25525159, 24986053, 20406103, 2917118, 28670940, 2393712, 8037197, 31890591, 9163586, 31286593)

Natera, Inc.
Classification: Pathogenic for Beta thalassemia. Last evaluated: 2025-08-06. Review status: criteria provided, single submitter. Criteria: Natera Variant Classification Schema (03/2026). Collection method: clinical testing. Allele origin: germline.
Comment: The c.92+2T>C variant in HBB is a canonical splice donor site variant predicted to affect pre-mRNA splicing, which may result in an abnormal transcript and altered protein product. This variant is expected to result in nonsense mediated decay, truncation, or a dysfunctional protein product. This variant is rare in the general population with a frequency below the threshold expected for the associated phenotype(s). This variant has been observed in one or more individuals affected with the associated recessive disease, as either homozygous or compound heterozygous with a second variant (PMID: 18976160). Given the available evidence, this variant is classified as Pathogenic.

ARUP Laboratories, Molecular Genetics and Genomics, ARUP Laboratories
Classification: Pathogenic. Last evaluated: 2025-07-28. Review status: criteria provided, single submitter. Criteria: ARUP Molecular Germline Variant Investigation Process 2024. Collection method: clinical testing. Allele origin: germline.
Comment: The HBB c.92+2T>C variant (rs33956879, HbVar ID: 820), also known as IVS-I-2 (T>C), has been reported in an individual with HbS/beta(0) thalassemia (Gonzalez-Redondo 1989), and an individual with beta-thalassemia major (Kluge 2014). It was found in-trans with another pathogenic variant in both reported cases (Gonzalez-Redondo 1989, Kluge 2014). The c.92+2T>C variant is reported as pathogenic in ClinVar (Variation ID: 36334), and found in the general population with a low overall allele frequency of 0.002% (4/245978 alleles) in the Genome Aggregation Database. This variant abolishes the canonical splice donor site of intron 1, which is likely to disrupt gene function. Based on available information, this variant is considered to be pathogenic. References: Link to HbVar database: Gonzalez-Redondo J et al. Severe Hb S-beta zero-thalassaemia with a T----C substitution in the donor splice site of the first intron of the beta-globin gene. Br J Haematol. 1989; 71(1):113-7. PMID: 2917118 Kluge M et al. Beta-Thalassemia major resulting from compound heterozygosity for HBB: c.92+2T>C [formerly known as IVS-I-2 (T>C)] and a novel beta(0)-thalassemia frameshift mutation: HBB: c.209delG; p.Gly70Valfs*20. Hemoglobin. 2014; 38(4):292-4. PMID: 24986053

Labcorp Genetics (formerly Invitae), Labcorp
Classification: Pathogenic. Last evaluated: 2023-08-17. Review status: criteria provided, single submitter. Criteria: Invitae Variant Classification Sherloc (09022015). Collection method: clinical testing. Allele origin: germline.
Comment: For these reasons, this variant has been classified as Pathogenic. ClinVar contains an entry for this variant (Variation ID: 36334). Algorithms developed to predict the effect of sequence changes on RNA splicing suggest that this variant may disrupt the consensus splice site. This sequence change affects a donor splice site in intron 1 of the HBB gene. It is expected to disrupt RNA splicing. Variants that disrupt the donor or acceptor splice site typically lead to a loss of protein function (PMID: 16199547), and loss-of-function variants in HBB are known to be pathogenic (PMID: 23637309). This variant is present in population databases (rs33956879, gnomAD 0.004%). Disruption of this splice site has been observed in individuals with beta thalassemia (PMID: 2200760, 24986053, 28366028, 28391758).

Fulgent Genetics
Classification: Pathogenic for Heinz body anemia; Hereditary persistence of fetal hemoglobin; Dominant beta-thalassemia; Hb SS disease; alpha Thalassemia; Malaria, susceptibility to; Beta-thalassemia HBB/LCRB; METHEMOGLOBINEMIA, BETA TYPE; Erythrocytosis, familial, 6. Last evaluated: 2021-09-10. Review status: criteria provided, single submitter. Criteria: ACMG Guidelines, 2015. Collection method: clinical testing. Allele origin: unknown.

Women's Health and Genetics/Laboratory Corporation of America, LabCorp
Classification: Pathogenic for beta Thalassemia. Last evaluated: 2021-07-08. Review status: criteria provided, single submitter. Criteria: LabCorp Variant Classification Summary - May 2015. Collection method: clinical testing. Allele origin: germline.
Comment: Variant summary: HBB c.92+2T>C is located in a canonical splice-site and is predicted to affect mRNA splicing resulting in a significantly altered protein due to either exon skipping, shortening, or inclusion of intronic material. The variant allele was found at a frequency of 1.6e-05 in 251218 control chromosomes. c.92+2T>C has been reported in the literature in multiple individuals affected with Beta Thalassemia (Gonzalez-Redondo_1989, Bouhass_1990, Agouti_2008, IbnAyub_2010). These data indicate that the variant is very likely to be associated with disease. Four clinical diagnostic laboratories have submitted clinical-significance assessments for this variant to ClinVar after 2014 without evidence for independent evaluation. All laboratories classified the variant as pathogenic. Based on the evidence outlined above, the variant was classified as pathogenic.

Blueprint Genetics
Classification: Pathogenic for HBB-related disorders. Last evaluated: 2021-05-18. Review status: criteria provided, single submitter. Criteria: ACMG Guidelines, 2015. Collection method: clinical testing. Allele origin: germline. Affected: yes. Observed: 1 variant allele.

Quest Diagnostics Nichols Institute San Juan Capistrano
Classification: Pathogenic. Last evaluated: 2017-06-14. Review status: criteria provided, single submitter. Criteria: Quest Diagnostics criteria. Collection method: clinical testing. Allele origin: germline.

Juno Genomics, Hangzhou Juno Genomics, Inc
Classification: Pathogenic for Malaria, susceptibility to; Hereditary persistence of fetal hemoglobin; Erythrocytosis, familial, 6; Heinz body anemia; METHEMOGLOBINEMIA, BETA TYPE; Hb SS disease; Dominant beta-thalassemia; Beta-thalassemia HBB/LCRB. Review status: criteria provided, single submitter. Criteria: ACMG Guidelines, 2015. Collection method: clinical testing. Allele origin: germline.
Comment: Absent from controls (or at extremely low frequency if recessive) in Genome Aggregation Database.;Null variant in a gene where loss of function (LOF) is a known mechanism of disease.;For recessive disorders, detected in trans with a pathogenic variant.

The ITHANET community portal, The Cyprus Institute of Neurology and Genetics
Classification: Pathogenic for beta Thalassemia. Last evaluated: 2019-11-25. Review status: no assertion criteria provided. Collection method: curation. Allele origin: germline. Not counted in ClinVar's aggregate classification.

OMIM
Classification: Pathogenic for BETA-ZERO-THALASSEMIA. Last evaluated: 1990-09-01. Review status: no assertion criteria provided. Collection method: literature only. Allele origin: germline. Not counted in ClinVar's aggregate classification.

Dr. Peter K. Rogan Lab, Western University
No classification provided (evidence only). Condition: Nonpapillary renal cell carcinoma. Review status: no classification provided. Collection method: in vitro. Allele origin: not applicable. Functional consequence: retained intron. Not counted in ClinVar's aggregate classification.

Literature cited by the submitters: PubMed 18976160 (cited by Natera, Inc. and Women's Health and Genetics/Laboratory Corporation of America, LabCorp); PubMed 16199547 (cited by Labcorp Genetics (formerly Invitae), Labcorp); PubMed 23637309 (cited by Labcorp Genetics (formerly Invitae), Labcorp); PubMed 2200760 (cited by Labcorp Genetics (formerly Invitae), Labcorp); PubMed 24986053 (cited by Labcorp Genetics (formerly Invitae), Labcorp and Quest Diagnostics Nichols Institute San Juan Capistrano); PubMed 28366028 (cited by Labcorp Genetics (formerly Invitae), Labcorp); PubMed 28391758 (cited by Labcorp Genetics (formerly Invitae), Labcorp); PubMed 2393712 (cited by 3 submitters); PubMed 2917118 (cited by 3 submitters); PubMed 20406103 (cited by Women's Health and Genetics/Laboratory Corporation of America, LabCorp and Quest Diagnostics Nichols Institute San Juan Capistrano); PubMed 8037197 (cited by Quest Diagnostics Nichols Institute San Juan Capistrano); PubMed 15008262 (cited by Quest Diagnostics Nichols Institute San Juan Capistrano); PubMed 2753736 (cited by OMIM).